The following is an entry in ClinVar:

NM_000532.5(PCCB):c.746C>T (p.Thr249Ile)

Gene: PCCB (propionyl-CoA carboxylase subunit beta; plus strand). Cytogenetic location: 3q22.3.
Variant type: single nucleotide variant.
Coding change: c.746C>T on transcript NM_000532.5 (MANE Select); coding-DNA position 746, C replaced by T.
Protein change: p.Thr249Ile; replaces threonine 249 with isoleucine.
Molecular consequence: missense variant.
Genome position (GRCh38, 1-based): chr3:136,293,847, C>T. VCF-style: chr3-136293847-C-T. GRCh37 (hg19) VCF-style: chr3-136012689-C-T.
Other names: c.806C>T, p.Thr269Ile (NM_001178014.2); c.746C>T (NM_000532.4); short protein forms T249I, T269I.
Identifiers: ClinVar variation 1063808 (VCV001063808.7), dbSNP rs779581071, ClinGen allele CA2631846.

ClinVar aggregate classification (germline): Uncertain significance. Review status: criteria provided, multiple submitters, no conflicts (2 of 4 stars). 3 submissions from 3 submitters: Uncertain significance (2). 1 of the submissions does not count toward it. Last evaluated 2026-10-08.

Conditions:
Propionic acidemia (PROP). Also called: GLYCINEMIA, KETOTIC; HYPERGLYCINEMIA WITH KETOACIDOSIS AND LEUKOPENIA; KETOTIC HYPERGLYCINEMIA. Identifiers: Orphanet 35, MedGen C0268579, MONDO:0011628, OMIM 606054, HP:0003571.

Allele frequency attached by ClinVar (database versions not stated): ExAC 0.00001; gnomAD 0.00001; gnomAD exomes 0.00002 and 0.00001; TOPMed 0.00002.
gnomAD v4.1: 29 of 1,593,528 alleles (0.0018%); highest among the groups gnomAD compares: Middle Eastern, 0.099%; no homozygotes.

Submissions (3):

GeneDx
Classification: Uncertain significance. Last evaluated: 2026-10-08. Review status: criteria provided, single submitter. Criteria: GeneDx Variant Classification Process June 2021. Collection method: clinical testing. Allele origin: germline.
Comment: Not observed at significant frequency in large population cohorts (gnomAD); In silico analysis supports that this missense variant has a deleterious effect on protein structure/function; Reported in one individual in a cohort of 204 individuals with low levels of high density lipoproteincholesterol; patient specific information was not provided (PMID: 35460704); This variant is associated with the following publications: (PMID: 35460704)

Labcorp Genetics (formerly Invitae), Labcorp
Classification: Uncertain significance for Propionic acidemia. Last evaluated: 2021-08-31. Review status: criteria provided, single submitter. Criteria: Invitae Variant Classification Sherloc (09022015). Collection method: clinical testing. Allele origin: germline.
Comment: This sequence change replaces threonine with isoleucine at codon 249 of the PCCB protein (p.Thr249Ile). The threonine residue is highly conserved and there is a moderate physicochemical difference between threonine and isoleucine. This variant is present in population databases (rs779581071, ExAC 0.009%). This variant has not been reported in the literature in individuals affected with PCCB-related conditions. Algorithms developed to predict the effect of missense changes on protein structure and function are either unavailable or do not agree on the potential impact of this missense change (SIFT: "Deleterious"; PolyPhen-2: "Benign"; Align-GVGD: "Class C65"). In summary, the available evidence is currently insufficient to determine the role of this variant in disease. Therefore, it has been classified as a Variant of Uncertain Significance.

Natera, Inc.
Classification: Uncertain significance for Propionic acidemia. Last evaluated: 2020-06-08. Review status: no assertion criteria provided. Collection method: clinical testing. Allele origin: germline. Not counted in ClinVar's aggregate classification.